The following is an entry in ClinVar:

NM_001044385.3(TMEM237):c.165G>T (p.Gln55His)

Gene: TMEM237 (transmembrane protein 237; minus strand). Cytogenetic location: 2q33.1.
Variant type: single nucleotide variant.
Coding change: c.165G>T on transcript NM_001044385.3 (MANE Select); coding-DNA position 165, G replaced by T.
Protein change: p.Gln55His; replaces glutamine 55 with histidine.
Molecular consequence: missense variant.
Genome position (GRCh38, 1-based): chr2:201,636,857, C>A on the plus strand (G>T on the coding strand, the complement: TMEM237 is on the minus strand). VCF-style: chr2-201636857-C-A. GRCh37 (hg19) VCF-style: chr2-202501580-C-A.
Other names: c.141G>T, p.Gln47His (NM_152388.4); short protein forms Q47H, Q55H.
Identifiers: ClinVar variation 1438769 (VCV001438769.8), dbSNP rs768568104, ClinGen allele CA2056555.

ClinVar aggregate classification (germline): Uncertain significance (1 of 4 stars; one submission).

Conditions:
Joubert syndrome 14 (JBTS14). Identifiers: MedGen C3280766, MONDO:0013745, OMIM 614424.

Allele frequency attached by ClinVar (database versions not stated): gnomAD exomes below 0.00001 and 0.00002; ExAC 0.00001.
gnomAD v4.1: 11 of 1,606,236 alleles (0.00068%); highest among the groups gnomAD compares: East Asian, 0.025%; no homozygotes.

Submission:

Labcorp Genetics (formerly Invitae), Labcorp
Classification: Uncertain significance for Joubert syndrome 14. Last evaluated: 2021-04-16. Review status: criteria provided, single submitter. Criteria: Invitae Variant Classification Sherloc (09022015). Collection method: clinical testing. Allele origin: germline.
Comment: In summary, the available evidence is currently insufficient to determine the role of this variant in disease. Therefore, it has been classified as a Variant of Uncertain Significance. Algorithms developed to predict the effect of missense changes on protein structure and function are either unavailable or do not agree on the potential impact of this missense change (SIFT: "Deleterious"; PolyPhen-2: "Possibly Damaging"; Align-GVGD: "Class C0"). This variant has not been reported in the literature in individuals with TMEM237-related conditions. The frequency data for this variant in the population databases is considered unreliable, as metrics indicate poor data quality at this position in the ExAC database. This sequence change replaces glutamine with histidine at codon 55 of the TMEM237 protein (p.Gln55His). The glutamine residue is highly conserved and there is a small physicochemical difference between glutamine and histidine.